The following is an entry in ClinVar:

ClinVar aggregate classification (germline): Uncertain significance (1 of 4 stars; one submission).

Conditions:
Congenital myasthenic syndrome 4A. Also called: Myasthenic syndrome, congenital, 4a, slow-channel; MYASTHENIC SYNDROME, CONGENITAL, 4A, SLOW-CHANNEL, AUTOSOMAL RECESSIVE; CONGENITAL MYASTHENIC SYNDROME TYPE Ia1. Identifiers: Orphanet 590, MedGen C4225413, MONDO:0011600, OMIM 605809.

gnomAD v4.1: 5 of 1,552,982 alleles (0.00032%); highest among the groups gnomAD compares: South Asian, 0.0035%; no homozygotes.

Submission:

Labcorp Genetics (formerly Invitae), Labcorp
Classification: Uncertain significance for Congenital myasthenic syndrome 4A. Last evaluated: 2021-01-06. Review status: criteria provided, single submitter. Criteria: Invitae Variant Classification Sherloc (09022015). Collection method: clinical testing. Allele origin: germline.
Comment: The frequency data for this variant in the population databases is considered unreliable, as metrics indicate insufficient coverage at this position in the ExAC database. This variant has not been reported in the literature in individuals with CHRNE-related conditions. Advanced modeling of protein sequence and biophysical properties (such as structural, functional, and spatial information, amino acid conservation, physicochemical variation, residue mobility, and thermodynamic stability) performed at Invitae indicates that this missense variant is not expected to disrupt CHRNE protein function. In summary, the available evidence is currently insufficient to determine the role of this variant in disease. Therefore, it has been classified as a Variant of Uncertain Significance. This sequence change replaces alanine with glycine at codon 362 of the CHRNE protein (p.Ala362Gly). The alanine residue is weakly conserved and there is a small physicochemical difference between alanine and glycine.

NM_000080.4(CHRNE):c.1085C>G (p.Ala362Gly)

Genes: CHRNE (cholinergic receptor nicotinic epsilon subunit; minus strand), LOC130060041 (ATAC-STARR-seq lymphoblastoid silent region 8050; plus strand). Cytogenetic location: 17p13.2.
Variant type: single nucleotide variant.
Coding change: c.1085C>G on transcript NM_000080.4 (MANE Select); coding-DNA position 1085, C replaced by G.
Protein change: p.Ala362Gly; replaces alanine 362 with glycine.
Molecular consequence: missense variant.
Genome position (GRCh38, 1-based): chr17:4,899,332, G>C on the plus strand (C>G on the coding strand, the complement: CHRNE is on the minus strand). VCF-style: chr17-4899332-G-C. GRCh37 (hg19) VCF-style: chr17-4802627-G-C.
Other names: short protein forms A362G.
Identifiers: ClinVar variation 1421709 (VCV001421709.8), dbSNP rs1053507936, ClinGen allele CA397300600.
Genomic context (GRCh38, chr17:4,899,332, plus strand): 5'-TCCGCGCGGAGCAATAAGCCCACCGACGACGCCCGCCTTGGGGGCGAGGCGGCCCGGGGG[G>C]CCTCGGGCGGCGGCGGGGAGCCCAGGAGGCGCGGCAGCAGCTCCAGGAGAACCTGGGGCA-3'
Protein context (NP_000071.1, residues 352-372): RLLGSPPPPE[Ala362Gly]PRAASPPRRA